The following is an entry in ClinVar:

NM_000093.5(COL5A1):c.2771G>A (p.Arg924Gln)

Gene: COL5A1 (collagen type V alpha 1 chain; plus strand). Cytogenetic location: 9q34.3.
Variant type: single nucleotide variant.
Coding change: c.2771G>A on transcript NM_000093.5 (MANE Select); coding-DNA position 2771, G replaced by A.
Protein change: p.Arg924Gln; replaces arginine 924 with glutamine.
Molecular consequence: missense variant.
Genome position (GRCh38, 1-based): chr9:134,795,287, G>A. VCF-style: chr9-134795287-G-A. GRCh37 (hg19) VCF-style: chr9-137687133-G-A.
Other names: c.2771G>A, p.Arg924Gln (NM_001278074.1); c.2771G>A (NM_000093.3); short protein forms R924Q.
Identifiers: ClinVar variation 1384614 (VCV001384614.9), dbSNP rs768711320, ClinGen allele CA5319579.
Genomic context (GRCh38, chr9:134,795,287, plus strand): 5'-CTTGAGCTGACCTTCCTTCTCTCCCATCTGTCCAGGGTCCGAGGGGTGAAAGAGGCCCCC[G>A]GGGCATCACTGGGAAGCCTGGCCCCAAGGTATGTTTTTGGCCTCCTGGGCGGTGGGCGGC-3'
Protein context (NP_000084.3, residues 914-934): PTGPRGERGP[Arg924Gln]GITGKPGPKG

ClinVar aggregate classification (germline): Conflicting classifications of pathogenicity. Review status: criteria provided, conflicting classifications (1 of 4 stars). 2 submissions from 2 submitters: Uncertain significance (1); Benign (1). Last evaluated 2025-12-21.

Conditions:
Ehlers-Danlos syndrome, classic type, 1 (EDSCL1). Also called: EHLERS-DANLOS SYNDROME, GRAVIS TYPE; EHLERS-DANLOS SYNDROME, SEVERE CLASSIC TYPE; Ehlers-Danlos syndrome, type 1; Ehlers-Danlos Syndrome, Classic Type, COL5A1-Related; EDS I. Identifiers: MedGen C0268335, MONDO:0019567, OMIM 130000.
Familial thoracic aortic aneurysm and aortic dissection (TAAD). Also called: Thoracic aortic aneurysms and dissections. Identifiers: Orphanet 91387, MedGen C4707243, MONDO:0019625.

Allele frequency attached by ClinVar (database versions not stated): ExAC 0.00002; gnomAD exomes 0.00001 and 0.00002; gnomAD 0.00001; TOPMed 0.00002.
gnomAD v4.1: 8 of 1,613,708 alleles (0.0005%); highest among the groups gnomAD compares: East Asian, 0.0022%; no homozygotes.

Submissions (2):

Ambry Genetics
Classification: Uncertain significance for Familial thoracic aortic aneurysm and aortic dissection. Last evaluated: 2025-12-21. Review status: criteria provided, single submitter. Criteria: Ambry Variant Classification Scheme 2023. Collection method: clinical testing. Allele origin: germline.
Comment: The p.R924Q variant (also known as c.2771G>A), located in coding exon 34 of the COL5A1 gene, results from a G to A substitution at nucleotide position 2771. The arginine at codon 924 is replaced by glutamine, an amino acid with highly similar properties. This amino acid position is conserved. In addition, the in silico prediction for this alteration is inconclusive. Based on the available evidence, the clinical significance of this variant remains unclear.

Labcorp Genetics (formerly Invitae), Labcorp
Classification: Benign for Ehlers-Danlos syndrome, classic type, 1. Last evaluated: 2025-12-10. Review status: criteria provided, single submitter. Criteria: Invitae Variant Classification Sherloc (09022015). Collection method: clinical testing. Allele origin: germline.